The following is an entry in ClinVar:

NM_001145809.2(MYH14):c.*301C>T

Gene: MYH14 (myosin heavy chain 14; plus strand). Cytogenetic location: 19q13.33.
Variant type: single nucleotide variant.
Coding change: c.*301C>T on transcript NM_001145809.2 (MANE Select); 301 bases downstream of the stop codon, C replaced by T.
Molecular consequence: 3 prime UTR variant.
Genome position (GRCh38, 1-based): chr19:50,310,091, C>T. VCF-style: chr19-50310091-C-T. GRCh37 (hg19) VCF-style: chr19-50813348-C-T.
Other names: c.*301C>T (NM_001077186.2, NM_024729.4).
Identifiers: ClinVar variation 329960 (VCV000329960.5), dbSNP rs529409417, ClinGen allele CA10643148.
Genomic context (GRCh38, chr19:50,310,091, plus strand): 5'-GGGACTGGGTACAGTTGGCAAGCTGTGTTTCCATCAGCTCCCTGTCCTCCTTTCTTCCCT[C>T]GTTATTGATCTATAGACATTAGGAAGGGAGTGAGACGGCTCCTCCACCATCCTCAGCCAG-3'

ClinVar aggregate classification (germline): Likely benign (1 of 4 stars; one submission).

Conditions:
Autosomal dominant nonsyndromic hearing loss 4A. Also called: Deafness, autosomal dominant 4A. Identifiers: Orphanet 90635, MedGen C1833503, MONDO:0010915, OMIM 600652.

Allele frequency attached by ClinVar (database versions not stated): 1000 Genomes Project 0.00260; 1000 Genomes Project 30x 0.00312; gnomAD exomes 0.00021; gnomAD 0.00203 and 0.00218; TOPMed 0.00232.
gnomAD v4.1: 382 of 502,760 alleles (0.076%); highest among the groups gnomAD compares: African/African-American, 0.7%; 2 homozygotes.

Submission:

Illumina Laboratory Services, Illumina
Classification: Likely benign for Autosomal dominant nonsyndromic hearing loss 4A. Last evaluated: 2018-01-13. Review status: criteria provided, single submitter. Criteria: ICSL Variant Classification Criteria 13 December 2019. Collection method: clinical testing. Allele origin: germline.
Comment: This variant was observed in the ICSL laboratory as part of a predisposition screen in an ostensibly healthy population. It had not been previously curated by ICSL or reported in the Human Gene Mutation Database (HGMD: prior to June 1st, 2018), and was therefore a candidate for classification through an automated scoring system. Utilizing variant allele frequency, disease prevalence and penetrance estimates, and inheritance mode, an automated score was calculated to assess if this variant is too frequent to cause the disease. Based on the score and internal cut-off values, a variant classified as likely benign is not then subjected to further curation. The score for this variant resulted in a classification of likely benign for this disease.